The following is an entry in ClinVar:

ClinVar aggregate classification (germline): Benign. Review status: criteria provided, single submitter (1 of 4 stars). 2 submissions from 2 submitters: Benign (1). 1 of the submissions does not count toward it. Last evaluated 2026-01-01.

Conditions:
KMT2D-related disorder. Also called: KMT2D-Related Disorders.
Kabuki syndrome. Also called: NIIKAWA-KUROKI SYNDROME; Kabuki make-up syndrome. Identifiers: Orphanet 2322, MedGen C0796004, MONDO:0016512.

Allele frequency attached by ClinVar (database versions not stated): TOPMed 0.00002; gnomAD exomes 0.00001; ExAC 0.00001; gnomAD 0.00001.
gnomAD v4.1: 8 of 1,613,850 alleles (0.0005%); highest among the groups gnomAD compares: Admixed American, 0.0033%; no homozygotes.

Submissions (2):

Labcorp Genetics (formerly Invitae), Labcorp
Classification: Benign for Kabuki syndrome. Last evaluated: 2026-01-01. Review status: criteria provided, single submitter. Criteria: Invitae Variant Classification Sherloc (09022015). Collection method: clinical testing. Allele origin: germline.

PreventionGenetics, part of Exact Sciences
Classification: Uncertain significance for KMT2D-related condition. Last evaluated: 2023-12-15. Review status: no assertion criteria provided. Collection method: clinical testing. Allele origin: germline. Not counted in ClinVar's aggregate classification.
Comment: The KMT2D c.5708G>A variant is predicted to result in the amino acid substitution p.Arg1903Gln. To our knowledge, this variant has not been reported in the literature. This variant is reported in 0.0065% of alleles in individuals of African descent in gnomAD. At this time, the clinical significance of this variant is uncertain due to the absence of conclusive functional and genetic evidence.

NM_003482.4(KMT2D):c.5708G>A (p.Arg1903Gln)

Gene: KMT2D (lysine methyltransferase 2D; minus strand). Cytogenetic location: 12q13.12.
Variant type: single nucleotide variant.
Coding change: c.5708G>A on transcript NM_003482.4 (MANE Select); coding-DNA position 5708, G replaced by A.
Protein change: p.Arg1903Gln; replaces arginine 1903 with glutamine.
Molecular consequence: missense variant.
Genome position (GRCh38, 1-based): chr12:49,042,815, C>T on the plus strand (G>A on the coding strand, the complement: KMT2D is on the minus strand). VCF-style: chr12-49042815-C-T. GRCh37 (hg19) VCF-style: chr12-49436598-C-T.
Other names: short protein forms R1903Q.
Identifiers: ClinVar variation 2891370 (VCV002891370.5), dbSNP rs772884731, ClinGen allele CA6547464.
Genomic context (GRCh38, chr12:49,042,815, plus strand): 5'-CTCTGCAGTGGCGTACGGCTGCCTTCTAGGCCAGGGGTTCCACAACCCAGATGCTGTTCT[C>T]GTTCAGAGCCCAGAACATCCTTGAAGAGCTGCTGCAGGTCCTTGGATTCCATCTTGGGCA-3'
Protein context (NP_003473.3, residues 1893-1913): QLFKDVLGSE[Arg1903Gln]EQHLGCGTPG